The following is an entry in ClinVar:

NM_001267550.2(TTN):c.46429+12G>A

Genes: TTN (titin; minus strand), TTN-AS1 (TTN antisense RNA 1; plus strand). Cytogenetic location: 2q31.2.
Variant type: single nucleotide variant.
Coding change: c.46429+12G>A on transcript NM_001267550.2 (MANE Select); 12 bases into the intron after coding-DNA position 46429, G replaced by A.
Molecular consequence: intron variant. On other transcripts: non-coding transcript variant (1).
Genome position (GRCh38, 1-based): chr2:178,619,976, C>T on the plus strand (G>A on the coding strand, the complement: TTN is on the minus strand). VCF-style: chr2-178619976-C-T. GRCh37 (hg19) VCF-style: chr2-179484703-C-T.
Other names: c.41506+12G>A (NM_001256850.1); c.19234+12G>A (NM_003319.4); c.19810+12G>A (NM_133437.4); c.19609+12G>A (NM_133432.3); c.38725+12G>A (NM_133378.4).
Identifiers: ClinVar variation 391527 (VCV000391527.2), dbSNP rs1057524124, ClinGen allele CA16604017.
Genomic context (GRCh38, chr2:178,619,976, plus strand): 5'-ATATGTTTACATTTTGATTAACAATTTTAAAAAATTGGTAACATTAGAATTGTTTTTTCA[C>T]TTAATATGTACCTTCCACAAAAAGTCTAGCACGAGACTTCCTGTCTTCTACCCCGCAAGC-3'

ClinVar aggregate classification (germline): Likely benign. Review status: criteria provided, multiple submitters, no conflicts (2 of 4 stars). 2 submissions from 2 submitters: Likely benign (2). Last evaluated 2025-10-18.

Conditions:
Autosomal recessive limb-girdle muscular dystrophy type 2J (LGMDR10). Also called: Limb-girdle muscular dystrophy, type 2J; MUSCULAR DYSTROPHY, LIMB-GIRDLE, AUTOSOMAL RECESSIVE 10. Identifiers: Orphanet 140922, MedGen C1837342, MONDO:0012127, OMIM 608807.
Dilated cardiomyopathy 1G (CMD1G). Identifiers: Orphanet 154, MedGen C1858763, MONDO:0011400, OMIM 604145.

gnomAD v4.1: 5 of 1,602,006 alleles (0.00031%); highest among the groups gnomAD compares: Non-Finnish European, 0.00043%; no homozygotes.

Submissions (2):

Labcorp Genetics (formerly Invitae), Labcorp
Classification: Likely benign for Dilated cardiomyopathy 1G; Autosomal recessive limb-girdle muscular dystrophy type 2J. Last evaluated: 2025-10-18. Review status: criteria provided, single submitter. Criteria: Invitae Variant Classification Sherloc (09022015). Collection method: clinical testing. Allele origin: germline.

GeneDx
Classification: Likely benign. Last evaluated: 2016-12-07. Review status: criteria provided, single submitter. Criteria: GeneDx Variant Classification (06012015). Collection method: clinical testing. Allele origin: germline. Affected: yes.
Comment: This variant is considered likely benign or benign based on one or more of the following criteria: it is a conservative change, it occurs at a poorly conserved position in the protein, it is predicted to be benign by multiple in silico algorithms, and/or has population frequency not consistent with disease.